The following is an entry in ClinVar:

NM_005883.3(APC2):c.5101C>T (p.His1701Tyr)

Gene: APC2 (APC regulator of Wnt signaling pathway 2; plus strand). Cytogenetic location: 19p13.3.
Variant type: single nucleotide variant.
Coding change: c.5101C>T on transcript NM_005883.3 (MANE Select); coding-DNA position 5101, C replaced by T.
Protein change: p.His1701Tyr; replaces histidine 1701 with tyrosine.
Molecular consequence: missense variant.
Genome position (GRCh38, 1-based): chr19:1,468,402, C>T. VCF-style: chr19-1468402-C-T. GRCh37 (hg19) VCF-style: chr19-1468401-C-T.
Other names: c.5098C>T, p.His1700Tyr (NM_001351273.1); short protein forms H1700Y, H1701Y.
Identifiers: ClinVar variation 1995159 (VCV001995159.4), dbSNP rs2512537544, ClinGen allele CA403039830.
Genomic context (GRCh38, chr19:1,468,402, plus strand): 5'-CTGGATAGCGTGGAGTGGCGCGCCATCCAGGAGGGCGCCAATTCAATTGTCACGTGGCTG[C>T]ACCAGGCAGCAGCTGCCACGCGGGAGGCCTCGTCCGAGTCCGACTCCATCCTGTCCTTCG-3'
Protein context (NP_005874.1, residues 1691-1711): EGANSIVTWL[His1701Tyr]QAAAATREAS

ClinVar aggregate classification (germline): Uncertain significance (1 of 4 stars; one submission).

Submission:

Labcorp Genetics (formerly Invitae), Labcorp
Classification: Uncertain significance. Last evaluated: 2022-05-16. Review status: criteria provided, single submitter. Criteria: Invitae Variant Classification Sherloc (09022015). Collection method: clinical testing. Allele origin: germline.
Comment: In summary, the available evidence is currently insufficient to determine the role of this variant in disease. Therefore, it has been classified as a Variant of Uncertain Significance. Algorithms developed to predict the effect of missense changes on protein structure and function are either unavailable or do not agree on the potential impact of this missense change (SIFT: "Deleterious"; PolyPhen-2: "Probably Damaging"; Align-GVGD: "Class C15"). This variant has not been reported in the literature in individuals affected with APC2-related conditions. This variant is not present in population databases (gnomAD no frequency). This sequence change replaces histidine, which is basic and polar, with tyrosine, which is neutral and polar, at codon 1701 of the APC2 protein (p.His1701Tyr).